The following is an entry in ClinVar:

NM_005422.4(TECTA):c.6134G>T (p.Cys2045Phe)

Genes: TBCEL-TECTA (TBCEL-TECTA readthrough; plus strand), TECTA (tectorin alpha; plus strand). Cytogenetic location: 11q23.3.
Variant type: single nucleotide variant.
Coding change: c.6134G>T on transcript NM_005422.4 (MANE Select); coding-DNA position 6134, G replaced by T.
Protein change: p.Cys2045Phe; replaces cysteine 2045 with phenylalanine.
Molecular consequence: missense variant.
Genome position (GRCh38, 1-based): chr11:121,187,966, G>T. VCF-style: chr11-121187966-G-T. GRCh37 (hg19) VCF-style: chr11-121058675-G-T.
Other names: c.7076G>T, p.Cys2359Phe (NM_001378761.1); short protein forms C2045F, C2359F.
Identifiers: ClinVar variation 505095 (VCV000505095.5), dbSNP rs1555132232, ClinGen allele CA383009818.

ClinVar aggregate classification (germline): Uncertain significance (1 of 4 stars; one submission).

Submission:

Laboratory for Molecular Medicine, Mass General Brigham Personalized Medicine
Classification: Uncertain significance. Last evaluated: 2016-06-20. Review status: criteria provided, single submitter. Criteria: LMM Criteria. Collection method: clinical testing. Allele origin: germline. Observed: 1 variant allele.
Comment: The p.Cys2045Phe variant in TECTA has not been previously reported in individual s with hearing loss and was absent from large population studies. Computational prediction tools and conservation analyses suggest that this variant may impact the protein, though this information is not predictive enough to determine patho genicity. In summary, the clinical significance of the p.Cys2045Phe variant is u ncertain.